The following is an entry in ClinVar:

NM_004360.5(CDH1):c.1995C>G (p.Ile665Met)

Gene: CDH1 (cadherin 1; plus strand). Cytogenetic location: 16q22.1.
Variant type: single nucleotide variant.
Coding change: c.1995C>G on transcript NM_004360.5 (MANE Select); coding-DNA position 1995, C replaced by G.
Protein change: p.Ile665Met; replaces isoleucine 665 with methionine.
Molecular consequence: missense variant.
Genome position (GRCh38, 1-based): chr16:68,823,457, C>G. VCF-style: chr16-68823457-C-G. GRCh37 (hg19) VCF-style: chr16-68857360-C-G.
Other names: c.1812C>G, p.Ile604Met (NM_001317184.2); c.447C>G, p.Ile149Met (NM_001317185.2); c.30C>G, p.Ile10Met (NM_001317186.2); short protein forms I149M, I665M, I604M, I10M.
Identifiers: ClinVar variation 1784039 (VCV001784039.2), dbSNP rs1201966657, ClinGen allele CA396467626.

ClinVar aggregate classification (germline): Uncertain significance (1 of 4 stars; one submission).

Conditions:
Hereditary cancer-predisposing syndrome. Also called: Neoplastic Syndromes, Hereditary; Tumor predisposition; Hereditary Cancer Syndrome; Hereditary neoplastic syndrome. Identifiers: Orphanet 140162, MedGen C0027672, MeSH D009386, MONDO:0015356.

Submission:

Ambry Genetics
Classification: Uncertain significance for Hereditary cancer-predisposing syndrome. Last evaluated: 2021-07-08. Review status: criteria provided, single submitter. Criteria: Ambry Variant Classification Scheme 2023. Collection method: clinical testing. Allele origin: germline.
Comment: The p.I665M variant (also known as c.1995C>G), located in coding exon 13 of the CDH1 gene, results from a C to G substitution at nucleotide position 1995. The isoleucine at codon 665 is replaced by methionine, an amino acid with highly similar properties. This amino acid position is not well conserved in available vertebrate species. In addition, this alteration is predicted to be tolerated by in silico analysis. Since supporting evidence is limited at this time, the clinical significance of this alteration remains unclear.